The following is an entry in ClinVar:

ClinVar aggregate classification (germline): Uncertain significance (1 of 4 stars; one submission).

Conditions:
TRPC5-related disorder. Also called: TRPC5-related condition.

Submission:

PreventionGenetics, part of Exact Sciences
Classification: Uncertain significance for TRPC5-related condition. Last evaluated: 2025-04-06. Review status: criteria provided, single submitter. Criteria: ACMG Guidelines, 2015. Collection method: clinical testing. Allele origin: germline.
Comment: The TRPC5 c.211C>T variant is predicted to result in the amino acid substitution p.Arg71Trp. To our knowledge, this variant has not been reported in the literature. This variant is reported in 0.0036% of alleles in individuals of Latino descent in gnomAD. At this time, the clinical significance of this variant is uncertain due to the absence of conclusive functional and genetic evidence.

NM_012471.3(TRPC5):c.211C>T (p.Arg71Trp)

Gene: TRPC5 (transient receptor potential cation channel subfamily C member 5; minus strand). Cytogenetic location: Xq23.
Variant type: single nucleotide variant.
Coding change: c.211C>T on transcript NM_012471.3 (MANE Select); coding-DNA position 211, C replaced by T.
Protein change: p.Arg71Trp; replaces arginine 71 with tryptophan.
Molecular consequence: missense variant.
Genome position (GRCh38, 1-based): chrX:111,952,210, G>A on the plus strand (C>T on the coding strand, the complement: TRPC5 is on the minus strand). VCF-style: chrX-111952210-G-A. GRCh37 (hg19) VCF-style: chrX-111195438-G-A.
Other names: short protein forms R71W.
Identifiers: ClinVar variation 4999448 (VCV004999448.1).